The following is an entry in ClinVar:

NM_019109.5(ALG1):c.287-2A>T

Gene: ALG1 (ALG1 chitobiosyldiphosphodolichol beta-mannosyltransferase; plus strand). Cytogenetic location: 16p13.3.
Variant type: single nucleotide variant.
Coding change: c.287-2A>T on transcript NM_019109.5 (MANE Select); the canonical splice acceptor site of the intron before coding-DNA position 287, A replaced by T.
Molecular consequence: splice acceptor variant.
Genome position (GRCh38, 1-based): chr16:5,073,151, A>T. VCF-style: chr16-5073151-A-T. GRCh37 (hg19) VCF-style: chr16-5123152-A-T.
Other names: c.287-2A>T (NM_001438123.1); c.-47-2A>T (NM_001330504.2).
Identifiers: ClinVar variation 5005591 (VCV005005591.2).

ClinVar aggregate classification (germline): Likely pathogenic (1 of 4 stars; one submission).

Conditions:
ALG1-congenital disorder of glycosylation. Also called: CONGENITAL DISORDER OF GLYCOSYLATION, TYPE Ik; CDG Ik; ALG1-CDG. Identifiers: Orphanet 79327, MedGen C2931005, MONDO:0012052, OMIM 608540.

Submission:

Juno Genomics, Hangzhou Juno Genomics, Inc
Classification: Likely pathogenic for ALG1-congenital disorder of glycosylation. Review status: criteria provided, single submitter. Criteria: ACMG Guidelines, 2015. Collection method: clinical testing. Allele origin: germline.
Comment: Null variant in a gene where loss of function (LOF) is a known mechanism of disease.;Absent from controls (or at extremely low frequency if recessive) in Genome Aggregation Database.